The following is an entry in ClinVar:

NM_001083614.1:c.+12T>G

Gene: EARS2 (glutamyl-tRNA synthetase 2, mitochondrial; minus strand). Cytogenetic location: 16p12.2.
Variant type: single nucleotide variant.
Identifiers: ClinVar variation 137188 (VCV000137188.1).

ClinVar aggregate classification (germline): Benign (1 of 4 stars; one submission).

Submission:

GeneDx
Classification: Benign. Last evaluated: 2013-09-05. Review status: criteria provided, single submitter. Criteria: GeneDx Variant Classification (06012015). Collection method: clinical testing. Allele origin: germline.
Comment: The variant is found in MITONUC-MITOP panel(s).